The following is an entry in ClinVar:

NM_001378452.1(ITPR1):c.1028G>A (p.Arg343Lys)

Gene: ITPR1 (inositol 1,4,5-trisphosphate receptor type 1; plus strand). Cytogenetic location: 3p26.1.
Variant type: single nucleotide variant.
Coding change: c.1028G>A on transcript NM_001378452.1 (MANE Select); coding-DNA position 1028, G replaced by A.
Protein change: p.Arg343Lys; replaces arginine 343 with lysine.
Molecular consequence: missense variant.
Genome position (GRCh38, 1-based): chr3:4,658,155, G>A. VCF-style: chr3-4658155-G-A. GRCh37 (hg19) VCF-style: chr3-4699839-G-A.
Other names: c.1028G>A, p.Arg343Lys (NM_001099952.4); c.983G>A, p.Arg328Lys (NM_001168272.2, NM_002222.7); short protein forms R328K, R343K.
Identifiers: ClinVar variation 903190 (VCV000903190.9), dbSNP rs779003637, ClinGen allele CA2231074.

ClinVar aggregate classification (germline): Uncertain significance. Review status: criteria provided, multiple submitters, no conflicts (2 of 4 stars). 2 submissions from 2 submitters: Uncertain significance (2). Last evaluated 2023-03-21.

Conditions:
Autosomal dominant cerebellar ataxia. Also called: Spinocerebellar Ataxia, Dominant. Identifiers: Orphanet 99, MedGen C4087347, MONDO:0020380.

Allele frequency attached by ClinVar (database versions not stated): gnomAD exomes below 0.00001 and 0.00001; ExAC 0.00001; TOPMed 0.00001.
gnomAD v4.1: 8 of 1,613,252 alleles (0.0005%); highest among the groups gnomAD compares: African/African-American, 0.0013%; no homozygotes.

Submissions (2):

Labcorp Genetics (formerly Invitae), Labcorp
Classification: Uncertain significance. Last evaluated: 2023-03-21. Review status: criteria provided, single submitter. Criteria: Invitae Variant Classification Sherloc (09022015). Collection method: clinical testing. Allele origin: germline.
Comment: In summary, the available evidence is currently insufficient to determine the role of this variant in disease. Therefore, it has been classified as a Variant of Uncertain Significance. Advanced modeling of protein sequence and biophysical properties (such as structural, functional, and spatial information, amino acid conservation, physicochemical variation, residue mobility, and thermodynamic stability) performed at Invitae indicates that this missense variant is not expected to disrupt ITPR1 protein function. ClinVar contains an entry for this variant (Variation ID: 903190). This variant has not been reported in the literature in individuals affected with ITPR1-related conditions. This variant is present in population databases (rs779003637, gnomAD 0.007%). This sequence change replaces arginine, which is basic and polar, with lysine, which is basic and polar, at codon 328 of the ITPR1 protein (p.Arg328Lys).

Illumina Laboratory Services, Illumina
Classification: Uncertain significance for Spinocerebellar Ataxia, Dominant. Last evaluated: 2018-01-13. Review status: criteria provided, single submitter. Criteria: ICSL Variant Classification Criteria 13 December 2019. Collection method: clinical testing. Allele origin: germline.